The following is an entry in ClinVar:

NM_001267550.2(TTN):c.98810_98811del (p.Lys32937fs)

Genes: TTN (titin; minus strand), TTN-AS1 (TTN antisense RNA 1; plus strand). Cytogenetic location: 2q31.2.
Variant type: Deletion.
Coding change: c.98810_98811del on transcript NM_001267550.2 (MANE Select); coding-DNA positions 98810 to 98811, 2 bases deleted (AA; older notation c.98810_98811delAA).
Protein change: p.Lys32937fs; shifts the reading frame from lysine 32937.
Molecular consequence: frameshift variant. On other transcripts: non-coding transcript variant (1).
Genome position (GRCh38, 1-based): chr2:178,539,124-178,539,125, TT deleted on the plus strand (AA on the coding strand, the reverse complement: TTN is on the minus strand); deleting any 2 consecutive bases within chr2:178,539,124-178,539,126 gives the same sequence; the c. name uses the placement nearest the transcript's 3' end. VCF-style (leftmost placement, unchanged base first): chr2-178539123-CTT-C. GRCh37 (hg19) VCF-style: chr2-179403850-CTT-C.
Other names: c.93887_93888del, p.Lys31296fs (NM_001256850.1); c.71615_71616del, p.Lys23872fs (NM_003319.4); c.91106_91107del, p.Lys30369fs (NM_133378.4); c.71990_71991del, p.Lys23997fs (NM_133432.3); c.72191_72192del, p.Lys24064fs (NM_133437.4); short protein forms K23997fs, K31296fs, K24064fs, K30369fs, K32937fs, K23872fs.
Identifiers: ClinVar variation 1988966 (VCV001988966.5), dbSNP rs2468750564, ClinGen allele CA2580064689.

ClinVar aggregate classification (germline): Likely pathogenic. Review status: criteria provided, multiple submitters, no conflicts (2 of 4 stars). 2 submissions from 2 submitters: Likely pathogenic (2). Last evaluated 2023-08-10.

Conditions:
Dilated cardiomyopathy 1G (CMD1G). Identifiers: Orphanet 154, MedGen C1858763, MONDO:0011400, OMIM 604145.
Autosomal recessive limb-girdle muscular dystrophy type 2J (LGMDR10). Also called: Limb-girdle muscular dystrophy, type 2J; MUSCULAR DYSTROPHY, LIMB-GIRDLE, AUTOSOMAL RECESSIVE 10. Identifiers: Orphanet 140922, MedGen C1837342, MONDO:0012127, OMIM 608807.
Hypertrophic cardiomyopathy 9. Also called: Familial hypertrophic cardiomyopathy 9. Identifiers: MedGen C1861065, MONDO:0013412, OMIM 613765.

Submissions (2):

Labcorp Genetics (formerly Invitae), Labcorp
Classification: Likely pathogenic for Dilated cardiomyopathy 1G; Autosomal recessive limb-girdle muscular dystrophy type 2J. Last evaluated: 2023-08-10. Review status: criteria provided, single submitter. Criteria: Invitae Variant Classification Sherloc (09022015). Collection method: clinical testing. Allele origin: germline.
Comment: This variant is not present in population databases (gnomAD no frequency). This variant has not been reported in the literature in individuals affected with TTN-related conditions. ClinVar contains an entry for this variant (Variation ID: 1988966). This variant is located in the A band of TTN (PMID: 25589632). Truncating variants in this region are significantly overrepresented in patients affected with dilated cardiomyopathy (PMID: 25589632). Truncating variants in this region have also been reported in individuals affected with autosomal recessive centronuclear myopathy (PMID: 23975875). In summary, the currently available evidence indicates that the variant is pathogenic, but additional data are needed to prove that conclusively. Therefore, this variant has been classified as Likely Pathogenic. This sequence change creates a premature translational stop signal (p.Lys32937Argfs*5) in the TTN gene. While this is not anticipated to result in nonsense mediated decay, it is expected to create a truncated TTN protein.

New York Genome Center
Classification: Likely pathogenic for Hypertrophic cardiomyopathy 9; Dilated cardiomyopathy 1G. Last evaluated: 2023-08-03. Review status: criteria provided, single submitter. Criteria: NYGC Assertion Criteria 2020. Collection method: clinical testing. Allele origin: germline. Observed: 1 heterozygote.
Comment: The c.98810_98811del, p.(Lys32937ArgfsTer5) variant identified in the TTN gene has not been reported in the literature in individuals with titinopathies; This variant has been reported in ClinVar as Likely Pathogenic by one submitter [ClinVar ID: 1988966]. The c.98810_98811del variant is absent from population databases (gnomAD v2.1.1 and v3.1.2, TOPMed Freeze 8), suggesting it is not a common benign variant in the populations represented in those databases. This variant is located in exon 353 (A band) of this 363-exon gene, is predicted to create a premature translational stop signal and is expected to result in loss-of-function through protein truncation. Truncating variants in this region are significantly overrepresented in patients affected with dilated cardiomyopathy [PMID: 25589632]. Based on available evidence, this c.98810_98811del, p.(Lys32937ArgfsTer5) variant identified in TTN is classified as Likely Pathogenic.

Literature cited by the submitters: PubMed 25589632 (cited by Labcorp Genetics (formerly Invitae), Labcorp); PubMed 23975875 (cited by Labcorp Genetics (formerly Invitae), Labcorp).